The following is an entry in ClinVar:

ClinVar aggregate classification (germline): Pathogenic (1 of 4 stars; one submission).

Submission:

Labcorp Genetics (formerly Invitae), Labcorp
Classification: Pathogenic. Last evaluated: 2025-05-27. Review status: criteria provided, single submitter. Criteria: Invitae Variant Classification Sherloc (09022015). Collection method: clinical testing. Allele origin: germline.
Comment: This sequence change creates a premature translational stop signal (p.Pro265Hisfs*2) in the KCNJ1 gene. While this is not anticipated to result in nonsense mediated decay, it is expected to disrupt the last 127 amino acid(s) of the KCNJ1 protein. This variant is present in population databases (no rsID available, gnomAD 0.0009%). This variant has not been reported in the literature in individuals affected with KCNJ1-related conditions. ClinVar contains an entry for this variant (Variation ID: 2719899). This variant disrupts a region of the KCNJ1 protein in which other variant(s) (p.His354Serfs*8) have been determined to be pathogenic (PMID: 11318951). This suggests that this is a clinically significant region of the protein, and that variants that disrupt it are likely to be disease-causing. For these reasons, this variant has been classified as Pathogenic.

Literature cited by the submitters: PubMed 11318951.

NM_153766.3(KCNJ1):c.737del (p.Pro246fs)

Gene: KCNJ1 (potassium inwardly rectifying channel subfamily J member 1; minus strand). Cytogenetic location: 11q24.3.
Variant type: Deletion.
Coding change: c.737del on transcript NM_153766.3 (MANE Select); coding-DNA position 737, one base deleted (C; older notation c.737delC).
Protein change: p.Pro246fs; shifts the reading frame from proline 246.
Molecular consequence: frameshift variant.
Genome position (GRCh38, 1-based): chr11:128,839,507, G deleted on the plus strand (C on the coding strand, the reverse complement: KCNJ1 is on the minus strand); the first of 4 consecutive G bases (chr11:128,839,507-128,839,510); deleting any one gives the same sequence. VCF-style (leftmost placement, unchanged base first): chr11-128839506-TG-T. GRCh37 (hg19) VCF-style: chr11-128709401-TG-T.
Other names: c.794del, p.Pro265fs (NM_000220.6); c.737del, p.Pro246fs (NM_153764.3, NM_153767.4); c.788del, p.Pro263fs (NM_153765.3); short protein forms P263fs, P265fs, P246fs.
Identifiers: ClinVar variation 2719899 (VCV002719899.3), dbSNP rs947839654, ClinGen allele CA230628244.